The following is an entry in ClinVar:

ClinVar aggregate classification (germline): Pathogenic (1 of 4 stars; one submission).

Conditions:
Treacher Collins syndrome 1 (TCS1). Also called: TCOF1-Related Treacher Collins Syndrome. Identifiers: Orphanet 861, MedGen CN315775, MONDO:0007944, OMIM 154500.

Submission:

Cellular and Molecular Biology and Microbiology, Division of Genetics, University of Isfahan
Classification: Pathogenic for Treacher Collins syndrome 1. Last evaluated: 2026-08-15. Review status: criteria provided, single submitter. Criteria: ACMG Guidelines, 2015. Collection method: clinical testing. Allele origin: germline. Inheritance: Autosomal dominant inheritance. Affected: yes. Observed: 1 variant allele, 1 heterozygote.

NM_001371623.1(TCOF1):c.2626dup (p.Asp876fs)

Gene: TCOF1 (treacle ribosome biogenesis factor 1; plus strand). Cytogenetic location: 5q32.
Variant type: Duplication.
Coding change: c.2626dup on transcript NM_001371623.1 (MANE Select); coding-DNA position 2626, one base duplicated (G; older notation c.2626dupG).
Protein change: p.Asp876fs; shifts the reading frame from aspartic acid 876.
Molecular consequence: frameshift variant.
Genome position (GRCh38, 1-based): chr5:150,379,376, G duplicated. VCF-style (leftmost placement, unchanged base first): chr5-150379375-A-AG. GRCh37 (hg19) VCF-style: chr5-149758938-A-AG.
Other names: c.2395dup, p.Asp799fs (NM_000356.4, NM_001135245.2, NM_001437406.1); c.2626dup, p.Asp876fs (NM_001008657.3, NM_001135243.2, NM_001135244.2 and 1 more transcripts); short protein forms D799fs, D876fs.
Identifiers: ClinVar variation 4886926 (VCV004886926.1).
Genomic context (GRCh38, chr5:150,379,375, plus strand): 5'-TACAGCAGCTCAGGCCCAGACAGGGCCAGAGGAGGACTCAGGGAGCAGTGAGGAGGAGTC[A>AG]GACAGTGAGGAGGAGGCGGAGACGCTGGCTCAGGTGAGGGGGAGGGAATGGAGATCATCC-3'